The following is an entry in ClinVar:

NM_001040108.2(MLH3):c.3683A>G (p.His1228Arg)

Gene: MLH3 (mutL homolog 3; minus strand). Cytogenetic location: 14q24.3.
Variant type: single nucleotide variant.
Coding change: c.3683A>G on transcript NM_001040108.2 (MANE Select); coding-DNA position 3683, A replaced by G.
Protein change: p.His1228Arg; replaces histidine 1228 with arginine.
Molecular consequence: missense variant. On other transcripts: intron variant (1).
Genome position (GRCh38, 1-based): chr14:75,033,451, T>C on the plus strand (A>G on the coding strand, the complement: MLH3 is on the minus strand). VCF-style: chr14-75033451-T-C. GRCh37 (hg19) VCF-style: chr14-75500154-T-C.
Other names: c.3644-1272A>G (NM_014381.3); short protein forms H1228R.
Identifiers: ClinVar variation 2625641 (VCV002625641.3), dbSNP rs2503142145, ClinGen allele CA390425348.

ClinVar aggregate classification (germline): Uncertain significance (1 of 4 stars; one submission).

Allele frequency attached by ClinVar (database versions not stated): gnomAD exomes below 0.00001.
gnomAD v4.1: 1 of 1,614,154 alleles (0.000062%); highest among the groups gnomAD compares: Admixed American, 0.0017%; no homozygotes.

Submission:

Ambry Genetics
Classification: Uncertain significance. Last evaluated: 2025-10-26. Review status: criteria provided, single submitter. Criteria: Ambry Variant Classification Scheme 2023. Collection method: clinical testing. Allele origin: germline.
Comment: The p.H1228R variant (also known as c.3683A>G), located in coding exon 6 of the MLH3 gene, results from an A to G substitution at nucleotide position 3683. The histidine at codon 1228 is replaced by arginine, an amino acid with highly similar properties. This amino acid position is conserved. In addition, this alteration is predicted to be deleterious by in silico analysis. Since supporting evidence is limited at this time, the clinical significance of this alteration remains unclear.